The following is an entry in ClinVar:

ClinVar aggregate classification (germline): Uncertain significance (1 of 4 stars; one submission).

Submission:

Ambry Genetics
Classification: Uncertain significance. Last evaluated: 2022-07-27. Review status: criteria provided, single submitter. Criteria: Ambry Variant Classification Scheme 2023. Collection method: clinical testing. Allele origin: germline.
Comment: The p.I2048M variant (also known as c.6144A>G), located in coding exon 10 of the ALPK2 gene, results from an A to G substitution at nucleotide position 6144. The isoleucine at codon 2048 is replaced by methionine, an amino acid with highly similar properties. This amino acid position is conserved. In addition, this alteration is predicted to be tolerated by in silico analysis. Since supporting evidence is limited at this time, the clinical significance of this alteration remains unclear.

NM_052947.4(ALPK2):c.6144A>G (p.Ile2048Met)

Gene: ALPK2 (alpha kinase 2; minus strand). Cytogenetic location: 18q21.31.
Variant type: single nucleotide variant.
Coding change: c.6144A>G on transcript NM_052947.4 (MANE Select); coding-DNA position 6144, A replaced by G.
Protein change: p.Ile2048Met; replaces isoleucine 2048 with methionine.
Molecular consequence: missense variant.
Genome position (GRCh38, 1-based): chr18:58,504,034, T>C on the plus strand (A>G on the coding strand, the complement: ALPK2 is on the minus strand). VCF-style: chr18-58504034-T-C. GRCh37 (hg19) VCF-style: chr18-56171266-T-C.
Other names: short protein forms I2048M.
Identifiers: ClinVar variation 1751844 (VCV001751844.2), dbSNP rs2518854981, ClinGen allele CA402544064.